The following is an entry in ClinVar:

NM_002485.5(NBN):c.1880A>G (p.Lys627Arg)

Genes: NBN (nibrin; minus strand), LOC126860438 (MED14-independent group 3 enhancer GRCh37_chr8:90959982-90961181; plus strand). Cytogenetic location: 8q21.3.
Variant type: single nucleotide variant.
Coding change: c.1880A>G on transcript NM_002485.5 (MANE Select); coding-DNA position 1880, A replaced by G.
Protein change: p.Lys627Arg; replaces lysine 627 with arginine.
Molecular consequence: missense variant.
Genome position (GRCh38, 1-based): chr8:89,947,858, T>C on the plus strand (A>G on the coding strand, the complement: NBN is on the minus strand). VCF-style: chr8-89947858-T-C. GRCh37 (hg19) VCF-style: chr8-90960086-T-C.
Other names: c.1634A>G, p.Lys545Arg (NM_001024688.3); short protein forms K627R, K545R.
Identifiers: ClinVar variation 230646 (VCV000230646.26), dbSNP rs762174459, ClinGen allele CA4802664.

ClinVar aggregate classification (germline): Uncertain significance. Review status: criteria provided, multiple submitters, no conflicts (2 of 4 stars). 8 submissions from 8 submitters: Uncertain significance (7). 1 of the submissions does not count toward it. Last evaluated 2025-09-12.

Conditions:
Hereditary cancer-predisposing syndrome. Also called: Hereditary Cancer Syndrome; Neoplastic Syndromes, Hereditary; Tumor predisposition; Hereditary neoplastic syndrome. Identifiers: Orphanet 140162, MedGen C0027672, MeSH D009386, MONDO:0015356.
Microcephaly, normal intelligence and immunodeficiency (NBS). Also called: BERLIN BREAKAGE SYNDROME; Ataxia telangiectasia variant V1; IMMUNODEFICIENCY, MICROCEPHALY, AND CHROMOSOMAL INSTABILITY; SEEMANOVA SYNDROME II; Nijmegen breakage syndrome; Microcephaly with normal intelligence immunodeficiency and lymphoreticular malignancies. Identifiers: Orphanet 647, MedGen C0398791, MONDO:0009623, OMIM 251260.

Allele frequency attached by ClinVar (database versions not stated): gnomAD exomes below 0.00001; ExAC 0.00002.
gnomAD v4.1: 2 of 1,582,510 alleles (0.00013%); highest among the groups gnomAD compares: South Asian, 0.0011%; no homozygotes.

Submissions (8):

Ambry Genetics
Classification: Uncertain significance for Hereditary cancer-predisposing syndrome. Last evaluated: 2025-09-12. Review status: criteria provided, single submitter. Criteria: Ambry Variant Classification Scheme 2023. Collection method: clinical testing. Allele origin: germline.
Comment: The p.K627R variant (also known as c.1880A>G), located in coding exon 12 of the NBN gene, results from an A to G substitution at nucleotide position 1880. The lysine at codon 627 is replaced by arginine, an amino acid with highly similar properties. This alteration was not observed in unselected male breast cancer patients and was observed with an allele frequency of 0.0001 in 12,490 male controls of Japanese ancestry (Momozawa Y et al. Nat Commun, 2018 10;9:4083). This amino acid position is not well conserved in available vertebrate species. In addition, this alteration is predicted to be tolerated by in silico analysis. Since supporting evidence is limited at this time, the clinical significance of this alteration remains unclear.

Labcorp Genetics (formerly Invitae), Labcorp
Classification: Uncertain significance for Microcephaly, normal intelligence and immunodeficiency. Last evaluated: 2023-09-23. Review status: criteria provided, single submitter. Criteria: Invitae Variant Classification Sherloc (09022015). Collection method: clinical testing. Allele origin: germline.
Comment: In summary, the available evidence is currently insufficient to determine the role of this variant in disease. Therefore, it has been classified as a Variant of Uncertain Significance. Algorithms developed to predict the effect of sequence changes on RNA splicing suggest that this variant may disrupt the consensus splice site. An algorithm developed to predict the effect of missense changes on protein structure and function (PolyPhen-2) suggests that this variant is likely to be tolerated. ClinVar contains an entry for this variant (Variation ID: 230646). This variant has not been reported in the literature in individuals affected with NBN-related conditions. This variant is present in population databases (rs762174459, gnomAD 0.001%). This sequence change replaces lysine, which is basic and polar, with arginine, which is basic and polar, at codon 627 of the NBN protein (p.Lys627Arg).

Revvity Omics, Revvity
Classification: Uncertain significance. Last evaluated: 2022-06-10. Review status: criteria provided, single submitter. Criteria: ACMG Guidelines, 2015. Collection method: clinical testing. Allele origin: germline.

GeneDx
Classification: Uncertain significance. Last evaluated: 2022-01-28. Review status: criteria provided, single submitter. Criteria: GeneDx Variant Classification Process June 2021. Collection method: clinical testing. Allele origin: germline. Affected: yes.
Comment: Not observed at significant frequency in large population cohorts (gnomAD); In silico analysis supports that this missense variant does not alter protein structure/function; In a breast cancer case control study, this variant was absent in cases but present in controls (Momozawa 2018); This variant is associated with the following publications: (PMID: 30287823)

Genome-Nilou Lab
Classification: Uncertain significance for Microcephaly, normal intelligence and immunodeficiency. Last evaluated: 2021-11-07. Review status: criteria provided, single submitter. Criteria: ACMG Guidelines, 2015. Collection method: clinical testing. Allele origin: germline. Affected: no.

Sema4
Classification: Uncertain significance for Hereditary cancer-predisposing syndrome. Last evaluated: 2021-09-30. Review status: criteria provided, single submitter. Criteria: Sema4 Curation Guidelines. Collection method: curation. Allele origin: germline.
Comment: To the best of our knowledge, the NBN c.1880A>G (p.K627R) variant has not been reported in individuals with NBN-related disease. This variant was observed in 1/103462 chromosomes in the Non-Finnish European population according to the Genome Aggregation Database (PMID: 32461654). The variant has been reported in ClinVar (Variation ID: 230646). In silico tools suggest the impact of the variant on protein function is benign, though these predictions have not been confirmed by functional studies. The evidence is insufficient to meet ACMG/AMP criteria for classifying the variant as benign or pathogenic. Thus, the clinical significance of this variant is currently uncertain.

Color Diagnostics, LLC DBA Color Health
Classification: Uncertain significance for Hereditary cancer-predisposing syndrome. Last evaluated: 2019-07-01. Review status: criteria provided, single submitter. Criteria: ACMG Guidelines, 2015. Collection method: clinical testing. Allele origin: germline.

Natera, Inc.
Classification: Uncertain significance for Nijmegen breakage syndrome. Last evaluated: 2021-08-03. Review status: no assertion criteria provided. Collection method: clinical testing. Allele origin: germline. Not counted in ClinVar's aggregate classification.

Literature cited by the submitters: PubMed 30287823 (cited by Ambry Genetics).